The following is an entry in ClinVar:

NM_000127.3(EXT1):c.868G>T (p.Glu290Ter)

Gene: EXT1 (exostosin glycosyltransferase 1; minus strand). Cytogenetic location: 8q24.11.
Variant type: single nucleotide variant.
Coding change: c.868G>T on transcript NM_000127.3 (MANE Select); coding-DNA position 868, G replaced by T.
Protein change: p.Glu290Ter; replaces glutamic acid 290 with a stop codon.
Molecular consequence: nonsense.
Genome position (GRCh38, 1-based): chr8:118,110,179, C>A on the plus strand (G>T on the coding strand, the complement: EXT1 is on the minus strand). VCF-style: chr8-118110179-C-A. GRCh37 (hg19) VCF-style: chr8-119122418-C-A.
Other names: short protein forms E290*.
Identifiers: ClinVar variation 953132 (VCV000953132.9), dbSNP rs759708614, ClinGen allele CA371914876.

ClinVar aggregate classification (germline): Pathogenic (1 of 4 stars; one submission).

Conditions:
Multiple congenital exostosis (EXT). Also called: MULTIPLE CARTILAGINOUS EXOSTOSES; Multiple exostoses; Hereditary multiple exostoses; Hereditary multiple exostosis; Multiple osteochondromas; Hereditary multiple osteochondromas. Identifiers: Orphanet 321, MedGen C0015306, MONDO:0005508, HP:0002762.

Submission:

Labcorp Genetics (formerly Invitae), Labcorp
Classification: Pathogenic for Multiple congenital exostosis. Last evaluated: 2019-11-15. Review status: criteria provided, single submitter. Criteria: Invitae Variant Classification Sherloc (09022015). Collection method: clinical testing. Allele origin: germline.
Comment: Loss-of-function variants in EXT1 are known to be pathogenic (PMID: 10679937, 11391482, 19810120). Algorithms developed to predict the effect of sequence changes on RNA splicing suggest that this variant may create or strengthen a splice site, but this prediction has not been confirmed by published transcriptional studies. This variant has been observed in individual(s) with hereditary multiple osteochondromas (PMID: 26690531). In at least one individual the variant was observed to be de novo. This variant is not present in population databases (ExAC no frequency). This sequence change creates a premature translational stop signal (p.Glu290*) in the EXT1 gene. It is expected to result in an absent or disrupted protein product. For these reasons, this variant has been classified as Pathogenic.

Literature cited by the submitters: PubMed 10679937; PubMed 11391482; PubMed 19810120; PubMed 26690531.